The following is an entry in ClinVar:

ClinVar aggregate classification (germline): Uncertain significance (1 of 4 stars; one submission).

Allele frequency attached by ClinVar (database versions not stated): TOPMed below 0.00001; ExAC 0.00001.

Submission:

GeneDx
Classification: Uncertain significance. Last evaluated: 2022-09-06. Review status: criteria provided, single submitter. Criteria: GeneDx Variant Classification Process June 2021. Collection method: clinical testing. Allele origin: germline. Affected: yes.
Comment: Initiation codon variant in a gene for which loss of function is a known mechanism of disease; Has not been previously published as pathogenic or benign to our knowledge

NM_005548.3(KARS1):c.63-2704T>C

Gene: KARS1 (lysyl-tRNA synthetase 1; minus strand). Cytogenetic location: 16q23.1.
Variant type: single nucleotide variant.
Coding change: c.63-2704T>C on transcript NM_005548.3 (MANE Select); 2704 bases into the intron before coding-DNA position 63, T replaced by C.
Molecular consequence: intron variant. On other transcripts: missense variant (1), initiator codon variant (1).
Genome position (GRCh38, 1-based): chr16:75,644,427, A>G on the plus strand (T>C on the coding strand, the complement: KARS1 is on the minus strand). VCF-style: chr16-75644427-A-G. GRCh37 (hg19) VCF-style: chr16-75678325-A-G.
Other names: c.2T>C, p.Met1Thr (NM_001130089.2); c.-406-2704T>C (NM_001378148.1); short protein forms M1T.
Identifiers: ClinVar variation 2442767 (VCV002442767.2), dbSNP rs777156881, ClinGen allele CA8177822.